The following is an entry in ClinVar:

GRCh37/hg19 Xp11.23-11.22(chrX:47179068-54424785)x2

Genes: AKAP4 (A-kinase anchoring protein 4; minus strand), ARAF (A-Raf proto-oncogene, serine/threonine kinase; plus strand), BMP15 (bone morphogenetic protein 15; plus strand), CACNA1F (calcium voltage-gated channel subunit alpha1 F; minus strand), CCDC120 (coiled-coil domain containing 120; plus strand) and 106 more. Cytogenetic location: Xp11.23-11.22.
Variant type: copy number gain.
Change: copy number 2 of chrX:47,179,068-54,424,785 (7.25 Mb, GRCh37 coordinates, 1-based), cytogenetic band Xp11.23-11.22.
Identifiers: ClinVar variation 1180517 (VCV001180517.4).

ClinVar aggregate classification (germline): Pathogenic (1 of 4 stars; one submission).

Submission:

Illumina Laboratory Services, Illumina
Classification: Pathogenic. Last evaluated: 2019-06-21. Review status: criteria provided, single submitter. Criteria: ICSL CNVClassificationCriteria Jul2020Prior. Collection method: clinical testing. Allele origin: unknown.
Comment: This CNV is a 7.2 Mb duplication on the X chromosome at Xp11.23-p11.22, (seq[GRCh37]dup(X)(Xp11.23p11.22); chrX:g.47179068_54424785dup), and was found in a de novo state. This event encompasses 122 genes and is consistent with a diagnosis of Xp11.23-p11.22 microduplication syndrome, which has been described in at least 35 individuals (Giorda et al. 2009; Nizon et al. 2015). This event is larger than and fully encompasses the recurrent 4.5 Mb Xp11.23-p11.22 gain and is similar to other larger, unique events described in this region (Nizon et al. 2015). Gains similar to this CNV have not been reported in controls (Cooper et al. 2011; MacDonald et al. 2014). Based on the collective evidence, this CNV is classified as pathogenic.

Literature cited by the submitters: PubMed 19716111; PubMed 21841781; PubMed 24174537; PubMed 25425167.